The following is an entry in ClinVar:

ClinVar aggregate classification (germline): Uncertain significance (1 of 4 stars; one submission).

Conditions:
Alstrom syndrome (ALMS). Identifiers: Orphanet 64, MedGen C0268425, MONDO:0008763, OMIM 203800.

gnomAD v4.1: 1 of 1,614,150 alleles (0.000062%); highest among the groups gnomAD compares: Non-Finnish European, 0.000085%; no homozygotes.

Submission:

Labcorp Genetics (formerly Invitae), Labcorp
Classification: Uncertain significance for Alstrom syndrome. Last evaluated: 2024-08-24. Review status: criteria provided, single submitter. Criteria: Invitae Variant Classification Sherloc (09022015). Collection method: clinical testing. Allele origin: germline.
Comment: This sequence change replaces tryptophan, which is neutral and slightly polar, with leucine, which is neutral and non-polar, at codon 3962 of the ALMS1 protein (p.Trp3962Leu). This variant is not present in population databases (gnomAD no frequency). This variant has not been reported in the literature in individuals affected with ALMS1-related conditions. Experimental studies and prediction algorithms are not available or were not evaluated, and the functional significance of this variant is currently unknown. In summary, the available evidence is currently insufficient to determine the role of this variant in disease. Therefore, it has been classified as a Variant of Uncertain Significance.

NM_001378454.1(ALMS1):c.11882G>T (p.Trp3961Leu)

Genes: ALMS1 (ALMS1 centrosome and basal body associated protein; plus strand), LOC126806252 (BRD4-independent group 4 enhancer GRCh37_chr2:73828496-73829695; plus strand). Cytogenetic location: 2p13.1.
Variant type: single nucleotide variant.
Coding change: c.11882G>T on transcript NM_001378454.1 (MANE Select); coding-DNA position 11882, G replaced by T.
Protein change: p.Trp3961Leu; replaces tryptophan 3961 with leucine.
Molecular consequence: missense variant.
Genome position (GRCh38, 1-based): chr2:73,601,204, G>T. VCF-style: chr2-73601204-G-T. GRCh37 (hg19) VCF-style: chr2-73828331-G-T.
Other names: c.11885G>T, p.Trp3962Leu (NM_015120.4); short protein forms W3961L, W3962L.
Identifiers: ClinVar variation 3663368 (VCV003663368.2).